The following is an entry in ClinVar:

ClinVar aggregate classification (germline): Conflicting classifications of pathogenicity. Review status: criteria provided, conflicting classifications (1 of 4 stars). 3 submissions from 3 submitters: Uncertain significance (2); Likely benign (1). Last evaluated 2026-02-02.

Conditions:
Hereditary cancer-predisposing syndrome. Also called: Tumor predisposition; Hereditary neoplastic syndrome; Hereditary Cancer Syndrome; Neoplastic Syndromes, Hereditary. Identifiers: Orphanet 140162, MedGen C0027672, MeSH D009386, MONDO:0015356.
Familial cancer of breast. Also called: BREAST CANCER, FAMILIAL; Hereditary breast cancer; hereditary breast carcinoma. Identifiers: Orphanet 227535, MedGen C0346153, MONDO:0016419, OMIM 114480. Disease mechanism: loss of function.

Submissions (3):

Labcorp Genetics (formerly Invitae), Labcorp
Classification: Uncertain significance for Familial cancer of breast. Last evaluated: 2026-02-02. Review status: criteria provided, single submitter. Criteria: Invitae Variant Classification Sherloc (09022015). Collection method: clinical testing. Allele origin: germline.
Comment: This sequence change replaces valine, which is neutral and non-polar, with isoleucine, which is neutral and non-polar, at codon 75 of the BARD1 protein (p.Val75Ile). This variant is not present in population databases (gnomAD no frequency). This variant has not been reported in the literature in individuals affected with BARD1-related conditions. ClinVar contains an entry for this variant (Variation ID: 937265). An algorithm developed to predict the effect of missense changes on protein structure and function outputs the following: PolyPhen-2: "Benign". The isoleucine amino acid residue is found in multiple mammalian species, which suggests that this missense change does not adversely affect protein function. In summary, the available evidence is currently insufficient to determine the role of this variant in disease. Therefore, it has been classified as a Variant of Uncertain Significance.

Quest Diagnostics Nichols Institute San Juan Capistrano
Classification: Uncertain significance. Last evaluated: 2025-11-07. Review status: criteria provided, single submitter. Criteria: Quest Diagnostics criteria. Collection method: clinical testing. Allele origin: unknown.
Comment: The BARD1 c.223G>A (p.Val75Ile) variant has been reported in the published literature in an individual with biliary tract cancer (PMID: 36243179 (2022)). This variant has not been reported in large, multi-ethnic general populations (Genome Aggregation Database). Analysis of this variant using bioinformatics tools for the prediction of the effect of amino acid changes on protein structure and function yielded predictions that this variant is benign. Based on the available information, we are unable to determine the clinical significance of this variant.

Ambry Genetics
Classification: Likely benign for Hereditary cancer-predisposing syndrome. Last evaluated: 2024-08-29. Review status: criteria provided, single submitter. Criteria: Ambry Variant Classification Scheme 2023. Collection method: clinical testing. Allele origin: germline.

Literature cited by the submitters: PubMed 36243179 (cited by Quest Diagnostics Nichols Institute San Juan Capistrano).

NM_000465.4(BARD1):c.223G>A (p.Val75Ile)

Gene: BARD1 (BRCA1 associated RING domain 1; minus strand). Cytogenetic location: 2q35.
Variant type: single nucleotide variant.
Coding change: c.223G>A on transcript NM_000465.4 (MANE Select); coding-DNA position 223, G replaced by A.
Protein change: p.Val75Ile; replaces valine 75 with isoleucine.
Molecular consequence: missense variant. On other transcripts: non-coding transcript variant (1), intron variant (2).
Genome position (GRCh38, 1-based): chr2:214,792,438, C>T on the plus strand (G>A on the coding strand, the complement: BARD1 is on the minus strand). VCF-style: chr2-214792438-C-T. GRCh37 (hg19) VCF-style: chr2-215657162-C-T.
Other names: c.166G>A, p.Val56Ile (NM_001282543.2); c.223G>A, p.Val75Ile (NM_001282549.2); c.158+16974G>A (NM_001282548.2); c.215+4623G>A (NM_001282545.2); short protein forms V56I, V75I.
Identifiers: ClinVar variation 937265 (VCV000937265.15), dbSNP rs1559437285, ClinGen allele CA350461325.